The following is an entry in ClinVar:

NM_000214.3(JAG1):c.1383C>T (p.Asp461=)

Gene: JAG1 (jagged canonical Notch ligand 1; minus strand). Cytogenetic location: 20p12.2.
Variant type: single nucleotide variant.
Coding change: c.1383C>T on transcript NM_000214.3 (MANE Select); coding-DNA position 1383, C replaced by T.
Protein change: p.Asp461=; no amino-acid change (aspartic acid 461 retained).
Molecular consequence: synonymous variant.
Genome position (GRCh38, 1-based): chr20:10,649,073, G>A on the plus strand (C>T on the coding strand, the complement: JAG1 is on the minus strand). VCF-style: chr20-10649073-G-A. GRCh37 (hg19) VCF-style: chr20-10629721-G-A.
Other names: c.1383C>T (NM_000214.2).
Identifiers: ClinVar variation 1103901 (VCV001103901.31), dbSNP rs140604589, ClinGen allele CA9764888.

ClinVar aggregate classification (germline): Likely benign. Review status: criteria provided, multiple submitters, no conflicts (2 of 4 stars). 8 submissions from 8 submitters: Likely benign (5). 3 of the submissions do not count toward it. Last evaluated 2026-08-01.

Conditions:
JAG1-related disorder. Also called: JAG1-related condition; JAG1-related disorders.
Alagille syndrome due to a JAG1 point mutation. Also called: HEPATIC DUCTULAR HYPOPLASIA, SYNDROMATIC; JAG1-Related Alagille Syndrome; Alagille Syndrome 1. Identifiers: Orphanet 261619, Orphanet 52, MedGen C1956125, MONDO:0016862, OMIM 118450.
Tetralogy of Fallot (TOF). Identifiers: Orphanet 3303, MedGen C0039685, MONDO:0008542, OMIM 187500, HP:0001636.
Charcot-Marie-Tooth disease, axonal, Type 2HH. Also called: CHARCOT-MARIE-TOOTH NEUROPATHY, TYPE 2HH. Identifiers: MedGen C5562003, MONDO:0030458, OMIM 619574.
Deafness, congenital heart defects, and posterior embryotoxon (DCHE). Identifiers: MedGen C1866053, MONDO:0060713, OMIM 617992.
Cardiovascular phenotype. Identifiers: MedGen CN230736.

Allele frequency attached by ClinVar (database versions not stated): ExAC 0.00003; gnomAD exomes 0.00003; gnomAD 0.00005 and 0.00006; TOPMed 0.00006; ESP Exome Variant Server 0.00008.
gnomAD v4.1: 63 of 1,609,810 alleles (0.0039%); highest among the groups gnomAD compares: Middle Eastern, 0.016%; no homozygotes.

Submissions (8):

CeGaT Center for Human Genetics Tuebingen
Classification: Likely benign. Last evaluated: 2026-08-01. Review status: criteria provided, single submitter. Criteria: CeGaT Center For Human Genetics Tuebingen Variant Classification Criteria Version 2. Collection method: clinical testing. Allele origin: germline. Affected: yes. Observed: 2 variant alleles.
Comment: JAG1: BP4, BP7

Labcorp Genetics (formerly Invitae), Labcorp
Classification: Likely benign for Alagille syndrome due to a JAG1 point mutation. Last evaluated: 2025-11-28. Review status: criteria provided, single submitter. Criteria: Invitae Variant Classification Sherloc (09022015). Collection method: clinical testing. Allele origin: germline.

Ambry Genetics
Classification: Likely benign for Cardiovascular phenotype. Last evaluated: 2024-06-12. Review status: criteria provided, single submitter. Criteria: Ambry Variant Classification Scheme 2023. Collection method: clinical testing. Allele origin: germline.

Blueprint Genetics
Classification: Likely benign. Last evaluated: 2024-05-03. Review status: criteria provided, single submitter. Criteria: ACMG Guidelines, 2015. Collection method: clinical testing. Allele origin: germline.

Fulgent Genetics
Classification: Likely benign for Alagille syndrome due to a JAG1 point mutation; Tetralogy of Fallot; Deafness, congenital heart defects, and posterior embryotoxon; Charcot-Marie-Tooth disease, axonal, Type 2HH. Last evaluated: 2021-08-18. Review status: criteria provided, single submitter. Criteria: ACMG Guidelines, 2015. Collection method: clinical testing. Allele origin: unknown.

PreventionGenetics, part of Exact Sciences
Classification: Likely benign for JAG1-related condition. Last evaluated: 2019-11-19. Review status: no assertion criteria provided. Collection method: clinical testing. Allele origin: germline. Not counted in ClinVar's aggregate classification.
Comment: This variant is classified as likely benign based on ACMG/AMP sequence variant interpretation guidelines (Richards et al. 2015 PMID: 25741868, with internal and published modifications).

Clinical Genetics, Academic Medical Center
Classification: Likely benign. Review status: no assertion criteria provided. Collection method: clinical testing. Allele origin: germline. Affected: yes. Study: VKGL Data-share Consensus. Not counted in ClinVar's aggregate classification.

Genome Diagnostics Laboratory, University Medical Center Utrecht
Classification: Likely benign. Review status: no assertion criteria provided. Collection method: clinical testing. Allele origin: germline. Affected: yes. Study: VKGL Data-share Consensus. Not counted in ClinVar's aggregate classification.